The following is an entry in ClinVar:

ClinVar aggregate classification (germline): Conflicting classifications of pathogenicity. Review status: criteria provided, conflicting classifications (1 of 4 stars). 2 submissions from 2 submitters: Uncertain significance (1); Likely benign (1). Last evaluated 2025-12-10.

Conditions:
Inborn genetic diseases. Identifiers: MedGen C0950123, MeSH D030342.
Focal segmental glomerulosclerosis 1 (FSGS1). Identifiers: Orphanet 656, MedGen C4551527, MONDO:0011303, OMIM 603278.

gnomAD v4.1: 19 of 1,613,968 alleles (0.0012%); highest among the groups gnomAD compares: African/African-American, 0.004%; no homozygotes.

Submissions (2):

Ambry Genetics
Classification: Likely benign for Inborn genetic diseases. Last evaluated: 2025-12-10. Review status: criteria provided, single submitter. Criteria: Ambry Variant Classification Scheme 2023. Collection method: clinical testing. Allele origin: germline.

Clinical Genomics Laboratory, Washington University in St. Louis
Classification: Uncertain significance for Focal segmental glomerulosclerosis 1. Last evaluated: 2024-06-19. Review status: criteria provided, single submitter. Criteria: ACMG Guidelines, 2015. Collection method: clinical testing. Allele origin: germline.
Comment: An ACTN4 c.1328C>T (p.Thr443Met) variant was identified in a heterozygous state. This variant, to our knowledge, has not been reported in the medical literature. It is only observed on 5/251,270 alleles in the general population (gnomAD v.2.1.1). Computational predictors suggest that the variant does not impact ACTN4 function. Due to limited information, and based on ACMG/AMP guidelines for variant interpretation (Richards S et al., PMID: 25741868), the clinical significance of this variant is uncertain at this time.

NM_004924.6(ACTN4):c.1328C>T (p.Thr443Met)

Gene: ACTN4 (actinin alpha 4; plus strand). Cytogenetic location: 19q13.2.
Variant type: single nucleotide variant.
Coding change: c.1328C>T on transcript NM_004924.6 (MANE Select); coding-DNA position 1328, C replaced by T.
Protein change: p.Thr443Met; replaces threonine 443 with methionine.
Molecular consequence: missense variant.
Genome position (GRCh38, 1-based): chr19:38,721,574, C>T. VCF-style: chr19-38721574-C-T. GRCh37 (hg19) VCF-style: chr19-39212214-C-T.
Other names: c.1328C>T, p.Thr443Met (NM_001322033.2, NM_001411143.1); c.1328C>T (NM_004924.4); short protein forms T443M.
Identifiers: ClinVar variation 3600406 (VCV003600406.2).